The following is an entry in ClinVar:

ClinVar aggregate classification (germline): Likely benign. Review status: criteria provided, multiple submitters, no conflicts (2 of 4 stars). 2 submissions from 2 submitters: Likely benign (2). Last evaluated 2021-05-07.

Allele frequency attached by ClinVar (database versions not stated): TOPMed below 0.00001; gnomAD 0.00001 and 0.00007; ExAC 0.00017; gnomAD exomes 0.00018; 1000 Genomes Project 30x 0.00078; 1000 Genomes Project 0.00080.
gnomAD v4.1: 117 of 1,611,230 alleles (0.0073%); highest among the groups gnomAD compares: South Asian, 0.12%; 1 homozygote.

Submissions (2):

Blueprint Genetics
Classification: Likely benign. Last evaluated: 2021-05-07. Review status: criteria provided, single submitter. Criteria: ACMG Guidelines, 2015. Collection method: clinical testing. Allele origin: germline.

Laboratory for Molecular Medicine, Mass General Brigham Personalized Medicine
Classification: Likely benign. Last evaluated: 2013-10-29. Review status: criteria provided, single submitter. Criteria: LMM Criteria. Collection method: clinical testing. Allele origin: germline. Observed: 1 variant allele.
Comment: 1600-13T>C in Intron 7 of ILDR1: This variant is not expected to have clinical s ignificance because it does not diverge from the splice site consensus sequence and computational tools do not predict an impact to splicing.

NM_001199799.2(ILDR1):c.1600-13T>C

Gene: ILDR1 (immunoglobulin like domain containing receptor 1; minus strand). Cytogenetic location: 3q13.33.
Variant type: single nucleotide variant.
Coding change: c.1600-13T>C on transcript NM_001199799.2 (MANE Select); 13 bases into the intron before coding-DNA position 1600, T replaced by C.
Molecular consequence: intron variant.
Genome position (GRCh38, 1-based): chr3:121,988,421, A>G on the plus strand (T>C on the coding strand, the complement: ILDR1 is on the minus strand). VCF-style: chr3-121988421-A-G. GRCh37 (hg19) VCF-style: chr3-121707268-A-G.
Other names: c.1333-13T>C (NM_001199800.2); c.1468-13T>C (NM_175924.4).
Identifiers: ClinVar variation 179295 (VCV000179295.5), dbSNP rs567262350, ClinGen allele CA184145.